The following is an entry in ClinVar:

NM_001042424.3(NSD2):c.4022C>T (p.Pro1341Leu)

Gene: NSD2 (nuclear receptor binding SET domain protein 2; plus strand). Cytogenetic location: 4p16.3.
Variant type: single nucleotide variant.
Coding change: c.4022C>T on transcript NM_001042424.3 (MANE Select); coding-DNA position 4022, C replaced by T.
Protein change: p.Pro1341Leu; replaces proline 1341 with leucine.
Molecular consequence: missense variant.
Genome position (GRCh38, 1-based): chr4:1,978,833, C>T. VCF-style: chr4-1978833-C-T. GRCh37 (hg19) VCF-style: chr4-1980560-C-T.
Other names: c.4022C>T, p.Pro1341Leu (NM_001440892.1, NM_133330.3, NM_133331.3 and 1 more transcripts); c.4121C>T, p.Pro1374Leu (NM_001440893.1); c.3905C>T, p.Pro1302Leu (NM_001440894.1); c.3875C>T, p.Pro1292Leu (NM_001440895.1); c.3821C>T, p.Pro1274Leu (NM_001440896.1); c.3815C>T, p.Pro1272Leu (NM_001440897.1); c.3698C>T, p.Pro1233Leu (NM_001440898.1); c.3053C>T, p.Pro1018Leu (NM_001440899.1, NM_001440900.1); short protein forms P1341L, P1233L, P1274L, P1292L, P1302L, P1374L, P1018L, P1272L.
Identifiers: ClinVar variation 4690936 (VCV004690936.1).
Genomic context (GRCh38, chr4:1,978,833, plus strand): 5'-CCTACTGCTGTGAGCATGACTTAGGGGCGGCATCGGTCAGAAGCACCAAGACTGAGAAGC[C>T]CCCCCCAGAGCCAGGGAAGCCGAAGGGGAAGAGGCGGCGGCGGAGGGGCTGGCGGAGAGT-3'
Protein context (NP_001035889.1, residues 1331-1351): ASVRSTKTEK[Pro1341Leu]PPEPGKPKGK

ClinVar aggregate classification (germline): Uncertain significance (1 of 4 stars; one submission).

gnomAD v4.1: 38 of 1,605,008 alleles (0.0024%); highest among the groups gnomAD compares: Admixed American, 0.017%; no homozygotes.

Submission:

Labcorp Genetics (formerly Invitae), Labcorp
Classification: Uncertain significance. Last evaluated: 2025-07-30. Review status: criteria provided, single submitter. Criteria: Invitae Variant Classification Sherloc (09022015). Collection method: clinical testing. Allele origin: germline.
Comment: This sequence change replaces proline, which is neutral and non-polar, with leucine, which is neutral and non-polar, at codon 1341 of the WHSC1 protein (p.Pro1341Leu). This variant is present in population databases (rs774265779, gnomAD 0.02%). This variant has not been reported in the literature in individuals affected with WHSC1-related conditions. Experimental studies and prediction algorithms are not available or were not evaluated, and the functional significance of this variant is currently unknown. In summary, the available evidence is currently insufficient to determine the role of this variant in disease. Therefore, it has been classified as a Variant of Uncertain Significance.